The following is an entry in ClinVar:

NM_015404.4(WHRN):c.1868C>A (p.Ala623Asp)

Gene: WHRN (whirlin; minus strand). Cytogenetic location: 9q32.
Variant type: single nucleotide variant.
Coding change: c.1868C>A on transcript NM_015404.4 (MANE Select); coding-DNA position 1868, C replaced by A.
Protein change: p.Ala623Asp; replaces alanine 623 with aspartic acid.
Molecular consequence: missense variant.
Genome position (GRCh38, 1-based): chr9:114,406,723, G>T on the plus strand (C>A on the coding strand, the complement: WHRN is on the minus strand). VCF-style: chr9-114406723-G-T. GRCh37 (hg19) VCF-style: chr9-117169003-G-T.
Other names: c.719C>A, p.Ala240Asp (NM_001083885.3); c.1868C>A, p.Ala623Asp (NM_001173425.2); c.815C>A, p.Ala272Asp (NM_001346890.1); short protein forms A240D, A272D, A623D.
Identifiers: ClinVar variation 1714013 (VCV001714013.5), dbSNP rs1339950447, ClinGen allele CA374620752.

ClinVar aggregate classification (germline): Uncertain significance (1 of 4 stars; one submission).

Submission:

Labcorp Genetics (formerly Invitae), Labcorp
Classification: Uncertain significance. Last evaluated: 2025-04-28. Review status: criteria provided, single submitter. Criteria: Invitae Variant Classification Sherloc (09022015). Collection method: clinical testing. Allele origin: germline.
Comment: This sequence change replaces alanine, which is neutral and non-polar, with aspartic acid, which is acidic and polar, at codon 623 of the WHRN protein (p.Ala623Asp). This variant is present in population databases (no rsID available, gnomAD 0.003%). This variant has not been reported in the literature in individuals affected with WHRN-related conditions. ClinVar contains an entry for this variant (Variation ID: 1714013). An algorithm developed to predict the effect of missense changes on protein structure and function (PolyPhen-2) suggests that this variant is likely to be disruptive. In summary, the available evidence is currently insufficient to determine the role of this variant in disease. Therefore, it has been classified as a Variant of Uncertain Significance.